The following is an entry in ClinVar:

NM_004082.5(DCTN1):c.1165G>A (p.Val389Met)

Gene: DCTN1 (dynactin subunit 1; minus strand). Cytogenetic location: 2p13.1.
Variant type: single nucleotide variant.
Coding change: c.1165G>A on transcript NM_004082.5 (MANE Select); coding-DNA position 1165, G replaced by A.
Protein change: p.Val389Met; replaces valine 389 with methionine.
Molecular consequence: missense variant. On other transcripts: non-coding transcript variant (1).
Genome position (GRCh38, 1-based): chr2:74,370,308, C>T on the plus strand (G>A on the coding strand, the complement: DCTN1 is on the minus strand). VCF-style: chr2-74370308-C-T. GRCh37 (hg19) VCF-style: chr2-74597435-C-T.
Other names: c.1054G>A, p.Val352Met (NM_001190836.2); c.1144G>A, p.Val382Met (NM_001190837.2); c.1114G>A, p.Val372Met (NM_001378991.1); c.1096G>A, p.Val366Met (NM_001378992.1); c.763G>A, p.Val255Met (NM_023019.4, NM_001135041.3); c.1105G>A, p.Val369Met (NM_001135040.3); short protein forms V352M, V369M, V382M, V389M, V366M, V372M, V255M.
Identifiers: ClinVar variation 2923184 (VCV002923184.3), dbSNP rs1286416624, ClinGen allele CA347361384.

ClinVar aggregate classification (germline): Uncertain significance (1 of 4 stars; one submission).

Conditions:
Amyotrophic lateral sclerosis type 1 (ALS1). Also called: AMYOTROPHIC LATERAL SCLEROSIS 1, FAMILIAL. Identifiers: Orphanet 803, MedGen C1862939, MONDO:0007103, OMIM 105400.
Neuronopathy, distal hereditary motor, type 7B. Also called: Distal Hereditary Motor Neuronopathy Type 7B (dHMN7B); HMN VIIB; LOWER MOTOR NEURON DISEASE, DYNACTIN TYPE; NEURONOPATHY, DISTAL HEREDITARY MOTOR, AUTOSOMAL DOMINANT 14; NEURONOPATHY, DISTAL HEREDITARY MOTOR, HARDING TYPE VIIB; NEUROPATHY, DISTAL HEREDITARY MOTOR, HARDING TYPE VIIB. Identifiers: Orphanet 139589, MedGen C1843315, MONDO:0011879, OMIM 607641.
Perry syndrome. Also called: PARKINSONISM WITH ALVEOLAR HYPOVENTILATION AND MENTAL DEPRESSION. Identifiers: Orphanet 178509, MedGen C1868594, MONDO:0008201, OMIM 168605.

Allele frequency attached by ClinVar (database versions not stated): gnomAD exomes below 0.00001; gnomAD 0.00001; TOPMed 0.00001.
gnomAD v4.1: 6 of 1,613,950 alleles (0.00037%); highest among the groups gnomAD compares: Non-Finnish European, 0.00042%; no homozygotes.

Submission:

Labcorp Genetics (formerly Invitae), Labcorp
Classification: Uncertain significance for Amyotrophic lateral sclerosis type 1; Neuronopathy, distal hereditary motor, type 7B; Perry syndrome. Last evaluated: 2024-09-15. Review status: criteria provided, single submitter. Criteria: Invitae Variant Classification Sherloc (09022015). Collection method: clinical testing. Allele origin: germline.
Comment: This sequence change replaces valine, which is neutral and non-polar, with methionine, which is neutral and non-polar, at codon 389 of the DCTN1 protein (p.Val389Met). This variant is present in population databases (no rsID available, gnomAD 0.002%). This variant has not been reported in the literature in individuals affected with DCTN1-related conditions. Invitae Evidence Modeling of protein sequence and biophysical properties (such as structural, functional, and spatial information, amino acid conservation, physicochemical variation, residue mobility, and thermodynamic stability) indicates that this missense variant is not expected to disrupt DCTN1 protein function with a negative predictive value of 80%. In summary, the available evidence is currently insufficient to determine the role of this variant in disease. Therefore, it has been classified as a Variant of Uncertain Significance.